The following is an entry in ClinVar:

NM_021738.3(SVIL):c.1783G>A (p.Ala595Thr)

Gene: SVIL (supervillin; minus strand). Cytogenetic location: 10p11.23.
Variant type: single nucleotide variant.
Coding change: c.1783G>A on transcript NM_021738.3 (MANE Select); coding-DNA position 1783, G replaced by A.
Protein change: p.Ala595Thr; replaces alanine 595 with threonine.
Molecular consequence: missense variant. On other transcripts: intron variant (3).
Genome position (GRCh38, 1-based): chr10:29,532,584, C>T on the plus strand (G>A on the coding strand, the complement: SVIL is on the minus strand). VCF-style: chr10-29532584-C-T. GRCh37 (hg19) VCF-style: chr10-29821513-C-T.
Other names: c.909-412G>A (NM_001323599.2); c.828-1296G>A (NM_001323600.1, NM_003174.3); short protein forms A595T.
Identifiers: ClinVar variation 1698787 (VCV001698787.2), dbSNP rs763112940, ClinGen allele CA5457408.

ClinVar aggregate classification (germline): Uncertain significance (1 of 4 stars; one submission).

Conditions:
Myofibrillar myopathy 10. Identifiers: MedGen C5436656, MONDO:0033620, OMIM 619040.

Allele frequency attached by ClinVar (database versions not stated): ExAC 0.00001; gnomAD exomes 0.00001; TOPMed 0.00002; gnomAD 0.00003 and 0.00004.
gnomAD v4.1: 14 of 1,613,738 alleles (0.00087%); highest among the groups gnomAD compares: East Asian, 0.0045%; no homozygotes.

Submission:

Genetics and Molecular Pathology, SA Pathology
Classification: Uncertain significance for Myofibrillar myopathy 10. Last evaluated: 2021-11-23. Review status: criteria provided, single submitter. Criteria: ACMG Guidelines, 2015. Collection method: clinical testing. Allele origin: germline. Inheritance: Autosomal recessive inheritance. Affected: yes.
Comment: The SVIL c.1783G>A variant is classified as a VARIANT OF UNCERTAIN SIGNIFICANCE (PM2, PP3) This variant is a single nucleotide change from a guanine to an adenine at position 1783 which is predicted to change the Alanine at position 595 of the protein to Threonine. The variant is in exon 8/38 of the SVIL gene. The variant is in dbSNP (rs763112940) but is rare in population databases (gnomAD 2/251288, 0 homozygote) (PM2). The variant has not been reported in the ClinVar or HGMD disease databases. Computational predictions support a deleterious effect on the gene or gene product (PP3).